The following is an entry in ClinVar:

NM_005431.2(XRCC2):c.685A>G (p.Lys229Glu)

Gene: XRCC2 (X-ray repair cross complementing 2; minus strand). Cytogenetic location: 7q36.1.
Variant type: single nucleotide variant.
Coding change: c.685A>G on transcript NM_005431.2 (MANE Select); coding-DNA position 685, A replaced by G.
Protein change: p.Lys229Glu; replaces lysine 229 with glutamic acid.
Molecular consequence: missense variant.
Genome position (GRCh38, 1-based): chr7:152,648,800, T>C on the plus strand (A>G on the coding strand, the complement: XRCC2 is on the minus strand). VCF-style: chr7-152648800-T-C. GRCh37 (hg19) VCF-style: chr7-152345885-T-C.
Other names: short protein forms K229E.
Identifiers: ClinVar variation 1755821 (VCV001755821.3), dbSNP rs2485880559, ClinGen allele CA370198175.
Genomic context (GRCh38, chr7:152,648,800, plus strand): 5'-TTTGAGAATCATCTTGTTTGGAGAAAAACATCCTGTGCTTCACCAGTTGCTGCCATGCCT[T>C]ACAGAGATAAGGTCTGTAGTCTATGTCCACATCACACAGTCGTCGAGAGGCATGAGAAGG-3'
Protein context (NP_005422.1, residues 219-239): VDIDYRPYLC[Lys229Glu]AWQQLVKHRM

ClinVar aggregate classification (germline): Uncertain significance (1 of 4 stars; one submission).

Conditions:
Hereditary cancer-predisposing syndrome. Also called: Neoplastic Syndromes, Hereditary; Tumor predisposition; Hereditary Cancer Syndrome; Hereditary neoplastic syndrome. Identifiers: Orphanet 140162, MedGen C0027672, MeSH D009386, MONDO:0015356.

Allele frequency attached by ClinVar (database versions not stated): gnomAD exomes below 0.00001.
gnomAD v4.1: 1 of 1,614,212 alleles (0.000062%); highest among the groups gnomAD compares: Non-Finnish European, 0.000085%; no homozygotes.

Submission:

Ambry Genetics
Classification: Uncertain significance for Hereditary cancer-predisposing syndrome. Last evaluated: 2023-07-05. Review status: criteria provided, single submitter. Criteria: Ambry Variant Classification Scheme 2023. Collection method: clinical testing. Allele origin: germline.
Comment: The p.K229E variant (also known as c.685A>G), located in coding exon 3 of the XRCC2 gene, results from an A to G substitution at nucleotide position 685. The lysine at codon 229 is replaced by glutamic acid, an amino acid with similar properties. This amino acid position is well conserved in available vertebrate species. In addition, the in silico prediction for this alteration is inconclusive. Since supporting evidence is limited at this time, the clinical significance of this alteration remains unclear.